The following is an entry in ClinVar:

ClinVar aggregate classification (germline): Uncertain significance (0 of 4 stars; one submission).

Conditions:
PLXNA3-related disorder. Also called: PLXNA3-related condition.

Submission:

PreventionGenetics, part of Exact Sciences
Classification: Uncertain significance for PLXNA3-related condition. Last evaluated: 2024-04-29. Review status: no assertion criteria provided. Collection method: clinical testing. Allele origin: germline.
Comment: The PLXNA3 c.5521-7C>A variant is predicted to interfere with splicing. This variant is predicted to create a cryptic splice acceptor site in the intron, though it is not predicted to weaken the canonical splice acceptor site (SpliceAI, Jaganathan et al. 2019. PubMed ID: 30661751). However, these prediction algorithms are not the equivalent of functional studies. To our knowledge, this variant has not been reported in the literature or in a large population database, indicating this variant is rare. At this time, the clinical significance of this variant is uncertain due to the absence of conclusive functional and genetic evidence.

NM_017514.5(PLXNA3):c.5521-7C>A

Gene: PLXNA3 (plexin A3; plus strand). Cytogenetic location: Xq28.
Variant type: single nucleotide variant.
Coding change: c.5521-7C>A on transcript NM_017514.5 (MANE Select); 7 bases into the intron before coding-DNA position 5521, C replaced by A.
Molecular consequence: intron variant.
Genome position (GRCh38, 1-based): chrX:154,472,583, C>A. VCF-style: chrX-154472583-C-A. GRCh37 (hg19) VCF-style: chrX-153700926-C-A.
Identifiers: ClinVar variation 3353607 (VCV003353607.1).